The following is an entry in ClinVar:

NM_003072.5(SMARCA4):c.355+4C>T

Gene: SMARCA4 (SWI/SNF related BAF chromatin remodeling complex subunit ATPase 4; plus strand). Cytogenetic location: 19p13.2.
Variant type: single nucleotide variant.
Coding change: c.355+4C>T on transcript NM_003072.5 (MANE Select); 4 bases into the intron after coding-DNA position 355, C replaced by T.
Molecular consequence: intron variant.
Genome position (GRCh38, 1-based): chr19:10,985,409, C>T. VCF-style: chr19-10985409-C-T. GRCh37 (hg19) VCF-style: chr19-11096085-C-T.
Other names: c.355+4C>T (NM_001128844.3, NM_001128849.3, NM_001128847.4 and 6 more transcripts).
Identifiers: ClinVar variation 484845 (VCV000484845.19), dbSNP rs1276835884, ClinGen allele CA631767822.

ClinVar aggregate classification (germline): Conflicting classifications of pathogenicity. Review status: criteria provided, conflicting classifications (1 of 4 stars). 5 submissions from 5 submitters: Uncertain significance (4); Likely benign (1). Last evaluated 2025-12-03.

Conditions:
Hereditary cancer-predisposing syndrome. Also called: Neoplastic Syndromes, Hereditary; Tumor predisposition; Hereditary Cancer Syndrome; Hereditary neoplastic syndrome. Identifiers: Orphanet 140162, MedGen C0027672, MeSH D009386, MONDO:0015356.
Intellectual disability, autosomal dominant 16 (CSS4). Also called: COFFIN-SIRIS SYNDROME 4. Identifiers: Orphanet 1465, MedGen C3553249, MONDO:0013821, OMIM 614609.
Otosclerosis 12. Identifiers: MedGen C5935610, MONDO:0968980, OMIM 620792.
Rhabdoid tumor predisposition syndrome 2 (RTPS2). Identifiers: Orphanet 231108, Orphanet 69077, MedGen C2750074, MONDO:0013224, OMIM 613325.

Allele frequency attached by ClinVar (database versions not stated): gnomAD exomes 0.00001.
gnomAD v4.1: 6 of 1,613,730 alleles (0.00037%); highest among the groups gnomAD compares: Non-Finnish European, 0.00025%; no homozygotes.

Submissions (5):

Labcorp Genetics (formerly Invitae), Labcorp
Classification: Likely benign for Rhabdoid tumor predisposition syndrome 2. Last evaluated: 2025-12-03. Review status: criteria provided, single submitter. Criteria: Invitae Variant Classification Sherloc (09022015). Collection method: clinical testing. Allele origin: germline.

Ambry Genetics
Classification: Uncertain significance for Hereditary cancer-predisposing syndrome. Last evaluated: 2025-07-08. Review status: criteria provided, single submitter. Criteria: Ambry Variant Classification Scheme 2023. Collection method: clinical testing. Allele origin: germline.
Comment: The c.355+4C>T intronic variant results from a C to T substitution 4 nucleotides after coding exon 2 in the SMARCA4 gene. This variant has been detected in multiple individuals with no reported features of Coffin-Siris syndrome (Ambry internal data). This nucleotide position is poorly conserved in available vertebrate species. In silico splice site analysis predicts that this alteration will not have any significant effect on splicing. Based on the supporting evidence, the association of this alteration with rhabdoid tumor predisposition syndrome is unknown; however, the association of this alteration with Coffin-Siris syndrome is unlikely.

Women's Health and Genetics/Laboratory Corporation of America, LabCorp
Classification: Uncertain significance. Last evaluated: 2025-05-30. Review status: criteria provided, single submitter. Criteria: LabCorp Variant Classification Summary - May 2015. Collection method: clinical testing. Allele origin: germline.
Comment: Variant summary: SMARCA4 c.355+4C>T alters a non-conserved nucleotide located close to a canonical splice site and therefore could affect mRNA splicing, leading to a significantly altered protein sequence. Consensus agreement among computation tools predict no significant impact on normal splicing. However, these predictions have yet to be confirmed by functional studies. The frequency data for this variant in gnomAD is considered unreliable, as metrics indicate poor data quality at this position. To our knowledge, no occurrence of c.355+4C>T in individuals affected with Coffin-Siris Syndrome and no experimental evidence demonstrating its impact on protein function have been reported. ClinVar contains an entry for this variant (Variation ID: 484845). Based on the evidence outlined above, the variant was classified as uncertain significance.

Fulgent Genetics
Classification: Uncertain significance for Rhabdoid tumor predisposition syndrome 2; Intellectual disability, autosomal dominant 16; Otosclerosis 12. Last evaluated: 2024-01-02. Review status: criteria provided, single submitter. Criteria: ACMG Guidelines, 2015. Collection method: clinical testing. Allele origin: germline.

Genome-Nilou Lab
Classification: Uncertain significance for Intellectual disability, autosomal dominant 16. Last evaluated: 2021-07-15. Review status: criteria provided, single submitter. Criteria: ACMG Guidelines, 2015. Collection method: clinical testing. Allele origin: germline. Affected: no.